The following is an entry in ClinVar:

NM_000038.6(APC):c.4097C>T (p.Ala1366Val)

Gene: APC (APC regulator of Wnt signaling pathway; plus strand). Cytogenetic location: 5q22.2.
Variant type: single nucleotide variant.
Coding change: c.4097C>T on transcript NM_000038.6 (MANE Select); coding-DNA position 4097, C replaced by T.
Protein change: p.Ala1366Val; replaces alanine 1366 with valine.
Molecular consequence: missense variant.
Genome position (GRCh38, 1-based): chr5:112,839,691, C>T. VCF-style: chr5-112839691-C-T. GRCh37 (hg19) VCF-style: chr5-112175388-C-T.
Other names: c.4097C>T, p.Ala1366Val (NM_001127510.3, NM_001354895.2); c.4043C>T, p.Ala1348Val (NM_001127511.3); c.4151C>T, p.Ala1384Val (NM_001354896.2); c.4127C>T, p.Ala1376Val (NM_001354897.2); c.4022C>T, p.Ala1341Val (NM_001354898.2); c.4013C>T, p.Ala1338Val (NM_001354899.2); c.3974C>T, p.Ala1325Val (NM_001354900.2); c.3920C>T, p.Ala1307Val (NM_001354901.2); and 5 more; short protein forms A1348V, A1366V, A1240V, A1265V, A1275V, A1307V, A1376V, A1206V.
Identifiers: ClinVar variation 630926 (VCV000630926.5), dbSNP rs1561589807, ClinGen allele CA16030306.

ClinVar aggregate classification (germline): Uncertain significance. Review status: criteria provided, multiple submitters, no conflicts (2 of 4 stars). 2 submissions from 2 submitters: Uncertain significance (2). Last evaluated 2019-05-29.

Conditions:
Hereditary cancer-predisposing syndrome. Also called: Tumor predisposition; Neoplastic Syndromes, Hereditary; Hereditary neoplastic syndrome; Hereditary Cancer Syndrome. Identifiers: Orphanet 140162, MedGen C0027672, MeSH D009386, MONDO:0015356.

Submissions (2):

Color Diagnostics, LLC DBA Color Health
Classification: Uncertain significance for Hereditary cancer-predisposing syndrome. Last evaluated: 2019-05-29. Review status: criteria provided, single submitter. Criteria: ACMG Guidelines, 2015. Collection method: clinical testing. Allele origin: germline.

GeneDx
Classification: Uncertain significance. Last evaluated: 2018-08-07. Review status: criteria provided, single submitter. Criteria: GeneDx Variant Classification Process June 2021. Collection method: clinical testing. Allele origin: germline. Affected: yes.
Comment: Not observed in large population cohorts (Lek 2016); In silico analysis supports that this missense variant does not alter protein structure/function; Has not been previously published as pathogenic or benign to our knowledge; This variant is associated with the following publications: (PMID: 28222664, 27311873, 21901162, 22608206)